The following is an entry in ClinVar:

ClinVar aggregate classification (germline): Uncertain significance (1 of 4 stars; one submission).

Allele frequency attached by ClinVar (database versions not stated): gnomAD exomes 0.00001 and 0.00005; ExAC 0.00007; gnomAD 0.00017 and 0.00019; 1000 Genomes Project 0.00020; ESP Exome Variant Server 0.00023.
gnomAD v4.1: 47 of 1,613,980 alleles (0.0029%); highest among the groups gnomAD compares: African/African-American, 0.059%; no homozygotes.

Submission:

Labcorp Genetics (formerly Invitae), Labcorp
Classification: Uncertain significance. Last evaluated: 2025-06-04. Review status: criteria provided, single submitter. Criteria: Invitae Variant Classification Sherloc (09022015). Collection method: clinical testing. Allele origin: germline.
Comment: This sequence change replaces serine, which is neutral and polar, with threonine, which is neutral and polar, at codon 794 of the GEN1 protein (p.Ser794Thr). This variant is present in population databases (rs201939375, gnomAD 0.08%), and has an allele count higher than expected for a pathogenic variant. This variant has not been reported in the literature in individuals affected with GEN1-related conditions. ClinVar contains an entry for this variant (Variation ID: 1395616). An algorithm developed to predict the effect of missense changes on protein structure and function (PolyPhen-2) suggests that this variant is likely to be tolerated. In summary, the available evidence is currently insufficient to determine the role of this variant in disease. Therefore, it has been classified as a Variant of Uncertain Significance.

NM_001130009.3(GEN1):c.2381G>C (p.Ser794Thr)

Gene: GEN1 (GEN1 structure-specific endonuclease; plus strand). Cytogenetic location: 2p24.2.
Variant type: single nucleotide variant.
Coding change: c.2381G>C on transcript NM_001130009.3 (MANE Select); coding-DNA position 2381, G replaced by C.
Protein change: p.Ser794Thr; replaces serine 794 with threonine.
Molecular consequence: missense variant.
Genome position (GRCh38, 1-based): chr2:17,781,593, G>C. VCF-style: chr2-17781593-G-C. GRCh37 (hg19) VCF-style: chr2-17962860-G-C.
Other names: c.2381G>C, p.Ser794Thr (NM_182625.5); short protein forms S794T.
Identifiers: ClinVar variation 1395616 (VCV001395616.8), dbSNP rs201939375, ClinGen allele CA1540948.